The following is an entry in ClinVar:

NM_000090.4(COL3A1):c.238C>T (p.Pro80Ser)

Gene: COL3A1 (collagen type III alpha 1 chain; plus strand). Cytogenetic location: 2q32.2.
Variant type: single nucleotide variant.
Coding change: c.238C>T on transcript NM_000090.4 (MANE Select); coding-DNA position 238, C replaced by T.
Protein change: p.Pro80Ser; replaces proline 80 with serine.
Molecular consequence: missense variant.
Genome position (GRCh38, 1-based): chr2:188,984,918, C>T. VCF-style: chr2-188984918-C-T. GRCh37 (hg19) VCF-style: chr2-189849644-C-T.
Other names: short protein forms P80S.
Identifiers: ClinVar variation 3612764 (VCV003612764.5).

ClinVar aggregate classification (germline): Uncertain significance. Review status: criteria provided, multiple submitters, no conflicts (2 of 4 stars). 3 submissions from 3 submitters: Uncertain significance (3). Last evaluated 2026-06-09.

Conditions:
Familial thoracic aortic aneurysm and aortic dissection (TAAD). Also called: Thoracic aortic aneurysms and dissections. Identifiers: Orphanet 91387, MedGen C4707243, MONDO:0019625.
Ehlers-Danlos syndrome, type 4 (EDSVASC). Also called: Ehlers-Danlos syndrome vascular type; Ehlers Danlos syndrome, ecchymotic type; Ehlers Danlos syndrome, arterial type; Ehlers Danlos syndrome, Sack-Barabas type; Ehlers-Danlos Syndrome Type IV. Identifiers: Orphanet 286, MedGen C0268338, MONDO:0017314, OMIM 130050.

gnomAD v4.1: 1 of 1,613,100 alleles (0.000062%); highest among the groups gnomAD compares: Non-Finnish European, 0.000085%; no homozygotes.

Submissions (3):

Ambry Genetics
Classification: Uncertain significance for Familial thoracic aortic aneurysm and aortic dissection. Last evaluated: 2026-06-09. Review status: criteria provided, single submitter. Criteria: Ambry Variant Classification Scheme 2023. Collection method: clinical testing. Allele origin: germline.

Women's Health and Genetics/Laboratory Corporation of America, LabCorp
Classification: Uncertain significance. Last evaluated: 2026-01-19. Review status: criteria provided, single submitter. Criteria: LabCorp Variant Classification Summary - May 2015. Collection method: clinical testing. Allele origin: germline.
Comment: Variant summary: COL3A1 c.238C>T (p.Pro80Ser) results in a non-conservative amino acid change in the encoded protein sequence. Algorithms developed to predict the effect of missense changes on protein structure and function are either unavailable or do not agree on the potential impact of this missense change. The variant was absent in 250502 control chromosomes. The available data on variant occurrences in the general population are insufficient to allow any conclusion about variant significance. To our knowledge, no occurrence of c.238C>T in individuals affected with COL3A1-related conditions and no experimental evidence demonstrating its impact on protein function have been reported. ClinVar contains an entry for this variant (Variation ID: 3612764). Based on the evidence outlined above, the variant was classified as uncertain significance.

Labcorp Genetics (formerly Invitae), Labcorp
Classification: Uncertain significance for Ehlers-Danlos syndrome, type 4. Last evaluated: 2024-09-23. Review status: criteria provided, single submitter. Criteria: Invitae Variant Classification Sherloc (09022015). Collection method: clinical testing. Allele origin: germline.
Comment: This sequence change replaces proline, which is neutral and non-polar, with serine, which is neutral and polar, at codon 80 of the COL3A1 protein (p.Pro80Ser). This variant is not present in population databases (gnomAD no frequency). This variant has not been reported in the literature in individuals affected with COL3A1-related conditions. Invitae Evidence Modeling of protein sequence and biophysical properties (such as structural, functional, and spatial information, amino acid conservation, physicochemical variation, residue mobility, and thermodynamic stability) indicates that this missense variant is not expected to disrupt COL3A1 protein function with a negative predictive value of 95%. In summary, the available evidence is currently insufficient to determine the role of this variant in disease. Therefore, it has been classified as a Variant of Uncertain Significance.